The following is an entry in ClinVar:

ClinVar aggregate classification (germline): Conflicting classifications of pathogenicity. Review status: criteria provided, conflicting classifications (1 of 4 stars). 2 submissions from 2 submitters: Uncertain significance (1); Likely benign (1). Last evaluated 2024-04-10.

Conditions:
Hereditary pancreatitis (PCTT). Also called: Hereditary chronic pancreatitis; PRSS1-Related Hereditary Pancreatitis. Identifiers: Orphanet 676, MedGen C0238339, MONDO:0008185, OMIM 167800.

gnomAD v4.1: 1 of 1,614,202 alleles (0.000062%); highest among the groups gnomAD compares: South Asian, 0.0011%; no homozygotes.

Submissions (2):

Labcorp Genetics (formerly Invitae), Labcorp
Classification: Likely benign. Last evaluated: 2024-04-10. Review status: criteria provided, single submitter. Criteria: Invitae Variant Classification Sherloc (09022015). Collection method: clinical testing. Allele origin: germline.

Ambry Genetics
Classification: Uncertain significance for Hereditary pancreatitis. Last evaluated: 2021-07-27. Review status: criteria provided, single submitter. Criteria: Ambry Variant Classification Scheme 2023. Collection method: clinical testing. Allele origin: germline.
Comment: The c.531C>T variant (also known as p.G177G) is located in coding exon 5 of the CPA1 gene. This variant results from a C to T substitution at nucleotide position 531. This nucleotide substitution does not change the glycine at codon 177. This nucleotide position is not well conserved in available vertebrate species. In silico splice site analysis for this alteration is inconclusive. Since supporting evidence is limited at this time, the clinical significance of this alteration remains unclear.

NM_001868.4(CPA1):c.531C>T (p.Gly177=)

Gene: CPA1 (carboxypeptidase A1; plus strand). Cytogenetic location: 7q32.2.
Variant type: single nucleotide variant.
Coding change: c.531C>T on transcript NM_001868.4 (MANE Select); coding-DNA position 531, C replaced by T.
Protein change: p.Gly177=; no amino-acid change (glycine 177 retained).
Molecular consequence: synonymous variant.
Genome position (GRCh38, 1-based): chr7:130,383,438, C>T. VCF-style: chr7-130383438-C-T. GRCh37 (hg19) VCF-style: chr7-130023279-C-T.
Identifiers: ClinVar variation 1746807 (VCV001746807.5), dbSNP rs1051725707, ClinGen allele CA457649077.
Genomic context (GRCh38, chr7:130,383,438, plus strand): 5'-GCCTCCTCTCCAGTTCAGCACGGGGGGCAGTAAGCGTCCAGCCATCTGGATCGACACGGG[C>T]ATCCATTCCCGGGAGTGGGTCACCCAGGCCAGTGGGGTCTGGTTTGCAAAGAAGGTAAGG-3'
Protein context (NP_001859.1, residues 167-187): SKRPAIWIDT[Gly177=]IHSREWVTQA